The following is an entry in ClinVar:

NM_007375.4(TARDBP):c.925G>A (p.Gly309Ser)

Gene: TARDBP (TAR DNA binding protein; plus strand). Cytogenetic location: 1p36.22.
Variant type: single nucleotide variant.
Coding change: c.925G>A on transcript NM_007375.4 (MANE Select); coding-DNA position 925, G replaced by A.
Protein change: p.Gly309Ser; replaces glycine 309 with serine.
Molecular consequence: missense variant.
Genome position (GRCh38, 1-based): chr1:11,022,334, G>A. VCF-style: chr1-11022334-G-A. GRCh37 (hg19) VCF-style: chr1-11082391-G-A.
Other names: short protein forms G309S.
Identifiers: ClinVar variation 580997 (VCV000580997.11), dbSNP rs1419402299, ClinGen allele CA338364895.

ClinVar aggregate classification (germline): Uncertain significance. Review status: criteria provided, multiple submitters, no conflicts (2 of 4 stars). 3 submissions from 3 submitters: Uncertain significance (3). Last evaluated 2025-03-08.

Conditions:
FRONTOTEMPORAL LOBAR DEGENERATION WITH TDP43 INCLUSIONS, TARDBP-RELATED. Also called: Frontotemporal lobar degeneration, TARDBP-related. Identifiers: MedGen C3150169, OMIM 612069.
Amyotrophic lateral sclerosis type 10 (ALS10). Also called: Amyotrophic lateral sclerosis 10, with or without FTD; AMYOTROPHIC LATERAL SCLEROSIS 10 WITHOUT FRONTOTEMPORAL DEMENTIA AND WITH TDP43 INCLUSIONS; AMYOTROPHIC LATERAL SCLEROSIS 10 WITH OR WITHOUT FRONTOTEMPORAL DEMENTIA AND WITH TDP43 INCLUSIONS; AMYOTROPHIC LATERAL SCLEROSIS 10 WITH OR WITHOUT FRONTOTEMPORAL DEMENTIA; TARDBP-Related Amyotrophic Lateral Sclerosis-Frontotemporal Dementia. Identifiers: Orphanet 275872, Orphanet 803, MedGen C2677565, MONDO:0012790, OMIM 612069.
Inborn genetic diseases. Identifiers: MedGen C0950123, MeSH D030342.

Allele frequency attached by ClinVar (database versions not stated): TOPMed below 0.00001; gnomAD 0.00001; gnomAD exomes 0.00001.
gnomAD v4.1: 16 of 1,613,832 alleles (0.00099%); highest among the groups gnomAD compares: Non-Finnish European, 0.0014%; no homozygotes.

Submissions (3):

Ambry Genetics
Classification: Uncertain significance for Inborn genetic diseases. Last evaluated: 2025-03-08. Review status: criteria provided, single submitter. Criteria: Ambry Variant Classification Scheme 2023. Collection method: clinical testing. Allele origin: germline.

GeneDx
Classification: Uncertain significance. Last evaluated: 2021-01-14. Review status: criteria provided, single submitter. Criteria: GeneDx Variant Classification Process June 2021. Collection method: clinical testing. Allele origin: germline. Affected: yes.
Comment: Not observed at a significant frequency in large population cohorts (Lek et al., 2016); In silico analysis supports that this missense variant does not alter protein structure/function; Has not been previously published as pathogenic or benign to our knowledge

Labcorp Genetics (formerly Invitae), Labcorp
Classification: Uncertain significance for Amyotrophic lateral sclerosis type 10; FRONTOTEMPORAL LOBAR DEGENERATION WITH TDP43 INCLUSIONS, TARDBP-RELATED. Last evaluated: 2018-05-24. Review status: criteria provided, single submitter. Criteria: Invitae Variant Classification Sherloc (09022015). Collection method: clinical testing. Allele origin: germline.
Comment: Algorithms developed to predict the effect of missense changes on protein structure and function are either unavailable or do not agree on the potential impact of this missense change (SIFT: "Deleterious"; PolyPhen-2: "Possibly Damaging"; Align-GVGD: "Class C0"). In summary, the available evidence is currently insufficient to determine the role of this variant in disease. Therefore, it has been classified as a Variant of Uncertain Significance. This variant has not been reported in the literature in individuals with TARDBP-related disease. This variant is not present in population databases (ExAC no frequency). This sequence change replaces glycine with serine at codon 309 of the TARDBP protein (p.Gly309Ser). The glycine residue is highly conserved and there is a small physicochemical difference between glycine and serine.